The following is an entry in ClinVar:

NM_014239.4(EIF2B2):c.659C>G (p.Ala220Gly)

Gene: EIF2B2 (eukaryotic translation initiation factor 2B subunit beta; plus strand). Cytogenetic location: 14q24.3.
Variant type: single nucleotide variant.
Coding change: c.659C>G on transcript NM_014239.4 (MANE Select); coding-DNA position 659, C replaced by G.
Protein change: p.Ala220Gly; replaces alanine 220 with glycine.
Molecular consequence: missense variant.
Genome position (GRCh38, 1-based): chr14:75,005,927, C>G. VCF-style: chr14-75005927-C-G. GRCh37 (hg19) VCF-style: chr14-75472630-C-G.
Other names: short protein forms A220G.
Identifiers: ClinVar variation 1350856 (VCV001350856.6), dbSNP rs2139254287, ClinGen allele CA390426644.

ClinVar aggregate classification (germline): Uncertain significance (1 of 4 stars; one submission).

Submission:

Labcorp Genetics (formerly Invitae), Labcorp
Classification: Uncertain significance. Last evaluated: 2021-11-11. Review status: criteria provided, single submitter. Criteria: Invitae Variant Classification Sherloc (09022015). Collection method: clinical testing. Allele origin: germline.
Comment: In summary, the available evidence is currently insufficient to determine the role of this variant in disease. Therefore, it has been classified as a Variant of Uncertain Significance. Algorithms developed to predict the effect of missense changes on protein structure and function are either unavailable or do not agree on the potential impact of this missense change (SIFT: "Deleterious"; PolyPhen-2: "Possibly Damaging"; Align-GVGD: "Class C0"). This sequence change replaces alanine, which is neutral and non-polar, with glycine, which is neutral and non-polar, at codon 220 of the EIF2B2 protein (p.Ala220Gly). This variant is not present in population databases (gnomAD no frequency). This variant has not been reported in the literature in individuals affected with EIF2B2-related conditions.